The following is an entry in ClinVar:

ClinVar aggregate classification (germline): Conflicting classifications of pathogenicity. Review status: criteria provided, conflicting classifications (1 of 4 stars). 6 submissions from 6 submitters: Uncertain significance (1); Benign (1); Likely benign (3). 1 of the submissions does not count toward it. Last evaluated 2026-01-25.

Conditions:
Cardiovascular phenotype. Identifiers: MedGen CN230736.
Hypertrophic cardiomyopathy. Also called: HYPERTROPHIC MYOCARDIOPATHY. Identifiers: Orphanet 217569, MedGen C0007194, MeSH D002312, MONDO:0005045, HP:0001639.
RYR2-related disorder. Also called: RYR2-related condition.
Cardiomyopathy (CMYO). Also called: Cardiomyopathies. Identifiers: Orphanet 167848, MedGen C0878544, MONDO:0004994, HP:0001638. Inheritance: Various modes of inheritance.
Catecholaminergic polymorphic ventricular tachycardia 1. Also called: RYR2-Related Catecholaminergic Polymorphic Ventricular Tachycardia; VENTRICULAR TACHYCARDIA, CATECHOLAMINERGIC POLYMORPHIC, 1, WITH OR WITHOUT ATRIAL DYSFUNCTION AND/OR DILATED CARDIOMYOPATHY; VENTRICULAR TACHYCARDIA, STRESS-INDUCED POLYMORPHIC 1. Identifiers: Orphanet 3286, MedGen C1631597, MONDO:0011484, OMIM 604772.

Allele frequency attached by ClinVar (database versions not stated): gnomAD 0.00010 and 0.00001; gnomAD exomes 0.00019 and 0.00042; 1000 Genomes Project 30x 0.00031; 1000 Genomes Project 0.00040; ExAC 0.00044.
gnomAD v4.1: 282 of 1,592,092 alleles (0.018%); highest among the groups gnomAD compares: South Asian, 0.32%; 6 homozygotes.

Submissions (6):

Labcorp Genetics (formerly Invitae), Labcorp
Classification: Benign for Catecholaminergic polymorphic ventricular tachycardia 1. Last evaluated: 2026-01-25. Review status: criteria provided, single submitter. Criteria: Invitae Variant Classification Sherloc (09022015). Collection method: clinical testing. Allele origin: germline.

Blueprint Genetics
Classification: Likely benign. Last evaluated: 2024-05-23. Review status: criteria provided, single submitter. Criteria: ACMG Guidelines, 2015. Collection method: clinical testing. Allele origin: germline.

Ambry Genetics
Classification: Likely benign for Cardiovascular phenotype. Last evaluated: 2021-01-22. Review status: criteria provided, single submitter. Criteria: Ambry Variant Classification Scheme 2023. Collection method: clinical testing. Allele origin: germline.

Color Diagnostics, LLC DBA Color Health
Classification: Likely benign for Cardiomyopathy. Last evaluated: 2018-10-22. Review status: criteria provided, single submitter. Criteria: ACMG Guidelines, 2015. Collection method: clinical testing. Allele origin: germline.

Genetics and Genomics Program, Sidra Medicine
Classification: Uncertain significance for Hypertrophic cardiomyopathy. Review status: criteria provided, single submitter. Criteria: ACMG Guidelines, 2015. Collection method: research. Allele origin: unknown. Affected: yes. Observed: 1 variant allele.

PreventionGenetics, part of Exact Sciences
Classification: Likely benign for RYR2-related condition. Last evaluated: 2019-06-26. Review status: no assertion criteria provided. Collection method: clinical testing. Allele origin: germline. Not counted in ClinVar's aggregate classification.
Comment: This variant is classified as likely benign based on ACMG/AMP sequence variant interpretation guidelines (Richards et al. 2015 PMID: 25741868, with internal and published modifications).

Literature cited by the submitters: PubMed 28404607 (cited by Ambry Genetics).

NM_001035.3(RYR2):c.5680C>A (p.Leu1894Ile)

Gene: RYR2 (ryanodine receptor 2; plus strand). Cytogenetic location: 1q43.
Variant type: single nucleotide variant.
Coding change: c.5680C>A on transcript NM_001035.3 (MANE Select); coding-DNA position 5680, C replaced by A.
Protein change: p.Leu1894Ile; replaces leucine 1894 with isoleucine.
Molecular consequence: missense variant.
Genome position (GRCh38, 1-based): chr1:237,614,808, C>A. VCF-style: chr1-237614808-C-A. GRCh37 (hg19) VCF-style: chr1-237778108-C-A.
Other names: c.5680C>A, p.Leu1894Ile (LRG_402t1); short protein forms L1894I.
Identifiers: ClinVar variation 629833 (VCV000629833.19), dbSNP rs555692728, ClinGen allele CA086934.